The following is an entry in ClinVar:

ClinVar aggregate classification (germline): Likely benign. Review status: criteria provided, multiple submitters, no conflicts (2 of 4 stars). 3 submissions from 3 submitters: Likely benign (3). Last evaluated 2024-09-01.

Conditions:
Progressive sclerosing poliodystrophy (MTDPS4A). Also called: Mitochondrial DNA depletion syndrome 4A (Alpers type); Mitochondrial DNA Depletion Syndrome 4A; Alpers-Huttenlocher Syndrome (AHS); Alpers Syndrome; ALPERS PROGRESSIVE INFANTILE POLIODYSTROPHY; ALPERS DIFFUSE DEGENERATION OF CEREBRAL GRAY MATTER WITH HEPATIC CIRRHOSIS. Identifiers: Orphanet 726, MedGen C0205710, MONDO:0008758, OMIM 203700.

Allele frequency attached by ClinVar (database versions not stated): gnomAD 0.00001; gnomAD exomes 0.00001 and 0.00002; TOPMed 0.00001.
gnomAD v4.1: 26 of 1,614,010 alleles (0.0016%); highest among the groups gnomAD compares: Non-Finnish European, 0.0021%; no homozygotes.

Submissions (3):

CeGaT Center for Human Genetics Tuebingen
Classification: Likely benign. Last evaluated: 2024-09-01. Review status: criteria provided, single submitter. Criteria: CeGaT Center For Human Genetics Tuebingen Variant Classification Criteria Version 2. Collection method: clinical testing. Allele origin: germline. Affected: yes. Observed: 1 variant allele.
Comment: POLG: BP4, BP7

Labcorp Genetics (formerly Invitae), Labcorp
Classification: Likely benign for Progressive sclerosing poliodystrophy. Last evaluated: 2023-07-29. Review status: criteria provided, single submitter. Criteria: Invitae Variant Classification Sherloc (09022015). Collection method: clinical testing. Allele origin: germline.

GeneDx
Classification: Likely benign. Last evaluated: 2017-04-28. Review status: criteria provided, single submitter. Criteria: GeneDx Variant Classification (06012015). Collection method: clinical testing. Allele origin: germline. Affected: yes.
Comment: This variant is considered likely benign or benign based on one or more of the following criteria: it is a conservative change, it occurs at a poorly conserved position in the protein, it is predicted to be benign by multiple in silico algorithms, and/or has population frequency not consistent with disease.

NM_002693.3(POLG):c.2640C>T (p.Ala880=)

Gene: POLG (DNA polymerase gamma, catalytic subunit; minus strand). Cytogenetic location: 15q26.1.
Variant type: single nucleotide variant.
Coding change: c.2640C>T on transcript NM_002693.3 (MANE Select); coding-DNA position 2640, C replaced by T.
Protein change: p.Ala880=; no amino-acid change (alanine 880 retained).
Molecular consequence: synonymous variant.
Genome position (GRCh38, 1-based): chr15:89,321,219, G>A on the plus strand (C>T on the coding strand, the complement: POLG is on the minus strand). VCF-style: chr15-89321219-G-A. GRCh37 (hg19) VCF-style: chr15-89864450-G-A.
Other names: c.2640C>T, p.Ala880= (NM_001126131.2).
Identifiers: ClinVar variation 509140 (VCV000509140.24), dbSNP rs1236111354, ClinGen allele CA492289501.
Genomic context (GRCh38, chr15:89,321,219, plus strand): 5'-AGCTGCAATCCACAGCTCTTGGGAGTCCACATCAGCACCCACAAGGGTGTAGCCAGGTGG[G>A]GCCTGCACCATGGCTTTCAACTCACTGCCTACTCGGTCAGGCTGTGGGAAGAGTGAGATA-3'
Protein context (NP_002684.1, residues 870-890): VGSELKAMVQ[Ala880=]PPGYTLVGAD